The following is an entry in ClinVar:

ClinVar aggregate classification (germline): Benign/Likely benign. Review status: criteria provided, multiple submitters, no conflicts (2 of 4 stars). 3 submissions from 3 submitters: Benign (1); Likely benign (1). 1 of the submissions does not count toward it. Last evaluated 2026-01-28.

Conditions:
COACH syndrome 1. Identifiers: Orphanet 1454, MedGen C5435651, MONDO:0800103, OMIM 216360, MONDO:0008996.
RHYNS syndrome. Also called: RETINITIS PIGMENTOSA SYNDROME; RETINITIS PIGMENTOSA, HYPOPITUITARISM, NEPHRONOPHTHISIS, AND MILD SKELETAL DYSPLASIA. Identifiers: Orphanet 140976, MedGen C1865794, MONDO:0011202, OMIM 602152.
Nephronophthisis 11 (NPHP11). Identifiers: Orphanet 84081, MedGen C3150796, MONDO:0013302, OMIM 613550.
Bardet-Biedl syndrome 14 (BBS14). Identifiers: Orphanet 110, MedGen C2673874, MONDO:0014442, OMIM 615991.
Joubert syndrome 6 (JBTS6). Identifiers: Orphanet 475, MedGen C1853153, MONDO:0012539, OMIM 610688.
Meckel syndrome, type 3 (MKS3). Also called: MECKEL-GRUBER SYNDROME, TYPE 3. Identifiers: Orphanet 564, MedGen C1846357, MONDO:0011821, OMIM 607361.
TMEM67-related disorder. Also called: TMEM67-related disorders; TMEM67-related condition. Identifiers: MedGen CN239423.
Joubert syndrome. Also called: Familial aplasia of the vermis; JOUBERT-BOLTSHAUSER SYNDROME. Identifiers: Orphanet 475, MedGen C5979921, MONDO:0018772.
Meckel-Gruber syndrome. Also called: DYSENCEPHALIA SPLANCHNOCYSTICA; GRUBER SYNDROME; Dysencephalia splachnocystica. Identifiers: Orphanet 564, MedGen C0265215, MONDO:0018921.

Allele frequency attached by ClinVar (database versions not stated): gnomAD 0.00002 and 0.00016; TOPMed 0.00005; gnomAD exomes 0.00030 and 0.00069; ExAC 0.00073; 1000 Genomes Project 0.00120; 1000 Genomes Project 30x 0.00125.
gnomAD v4.1: 464 of 1,584,972 alleles (0.029%); highest among the groups gnomAD compares: South Asian, 0.48%; 6 homozygotes.

Submissions (3):

Labcorp Genetics (formerly Invitae), Labcorp
Classification: Benign for Joubert syndrome; Meckel-Gruber syndrome. Last evaluated: 2026-01-28. Review status: criteria provided, single submitter. Criteria: Invitae Variant Classification Sherloc (09022015). Collection method: clinical testing. Allele origin: germline.

Fulgent Genetics
Classification: Likely benign for COACH syndrome 1; RHYNS syndrome; Meckel syndrome, type 3; Joubert syndrome 6; Nephronophthisis 11; Bardet-Biedl syndrome 14. Last evaluated: 2021-12-20. Review status: criteria provided, single submitter. Criteria: ACMG Guidelines, 2015. Collection method: clinical testing. Allele origin: unknown.

PreventionGenetics, part of Exact Sciences
Classification: Likely benign for TMEM67-related condition. Last evaluated: 2019-08-28. Review status: no assertion criteria provided. Collection method: clinical testing. Allele origin: germline. Not counted in ClinVar's aggregate classification.
Comment: This variant is classified as likely benign based on ACMG/AMP sequence variant interpretation guidelines (Richards et al. 2015 PMID: 25741868, with internal and published modifications).

NM_153704.6(TMEM67):c.2440-6T>C

Gene: TMEM67 (transmembrane protein 67; plus strand). Cytogenetic location: 8q22.1.
Variant type: single nucleotide variant.
Coding change: c.2440-6T>C on transcript NM_153704.6 (MANE Select); 6 bases into the intron before coding-DNA position 2440, T replaced by C.
Molecular consequence: intron variant.
Genome position (GRCh38, 1-based): chr8:93,808,834, T>C. VCF-style: chr8-93808834-T-C. GRCh37 (hg19) VCF-style: chr8-94821062-T-C.
Other names: c.2197-6T>C (NM_001142301.1).
Identifiers: ClinVar variation 696787 (VCV000696787.13), dbSNP rs532418578, ClinGen allele CA4808313.